The following is an entry in ClinVar:

NM_002234.4(KCNA5):c.1514T>C (p.Val505Ala)

Gene: KCNA5 (potassium voltage-gated channel subfamily A member 5; plus strand). Cytogenetic location: 12p13.32.
Variant type: single nucleotide variant.
Coding change: c.1514T>C on transcript NM_002234.4 (MANE Select); coding-DNA position 1514, T replaced by C.
Protein change: p.Val505Ala; replaces valine 505 with alanine.
Molecular consequence: missense variant.
Genome position (GRCh38, 1-based): chr12:5,045,661, T>C. VCF-style: chr12-5045661-T-C. GRCh37 (hg19) VCF-style: chr12-5154827-T-C.
Other names: short protein forms V505A.
Identifiers: ClinVar variation 1304443 (VCV001304443.2), dbSNP rs2137773653, ClinGen allele CA383466651.

ClinVar aggregate classification (germline): Uncertain significance (1 of 4 stars; one submission).

Submission:

GeneDx
Classification: Uncertain significance. Last evaluated: 2019-02-07. Review status: criteria provided, single submitter. Criteria: GeneDx Variant Classification Process June 2021. Collection method: clinical testing. Allele origin: germline. Affected: yes.
Comment: Not observed in large population cohorts (Lek et al., 2016); Has not been previously published in association with arrhythmia to our knowledge; This variant is associated with the following publications: (PMID: 20133392, 29283926)